The following is an entry in ClinVar:

NM_000264.5(PTCH1):c.2422C>T (p.Gln808Ter)

Genes: PTCH1 (patched 1; minus strand), LOC100507346 (uncharacterized LOC100507346; plus strand). Cytogenetic location: 9q22.32.
Variant type: single nucleotide variant.
Coding change: c.2422C>T on transcript NM_000264.5 (MANE Select); coding-DNA position 2422, C replaced by T.
Protein change: p.Gln808Ter; replaces glutamine 808 with a stop codon.
Molecular consequence: nonsense. On other transcripts: non-coding transcript variant (1).
Genome position (GRCh38, 1-based): chr9:95,467,254, G>A on the plus strand (C>T on the coding strand, the complement: PTCH1 is on the minus strand). VCF-style: chr9-95467254-G-A. GRCh37 (hg19) VCF-style: chr9-98229536-G-A.
Other names: c.2224C>T, p.Gln742Ter (NM_001083602.3); c.2419C>T, p.Gln807Ter (NM_001083603.3); c.1969C>T, p.Gln657Ter (NM_001083604.3, NM_001083605.3, NM_001083606.3 and 1 more transcripts); c.2266C>T, p.Gln756Ter (NM_001354918.2); short protein forms Q657*, Q807*, Q742*, Q756*, Q808*.
Identifiers: ClinVar variation 3704402 (VCV003704402.3).

ClinVar aggregate classification (germline): Pathogenic. Review status: criteria provided, multiple submitters, no conflicts (2 of 4 stars). 2 submissions from 2 submitters: Pathogenic (2). Last evaluated 2026-01-28.

Conditions:
Gorlin syndrome. Also called: Nevoid Basal Cell Carcinoma Syndrome; Basal cell nevus syndrome. Identifiers: Orphanet 377, MedGen C0004779, MONDO:0007187.
PTCH1-related disorder. Also called: PTCH1-related disorders; PTCH1-related condition.

Submissions (2):

PreventionGenetics, part of Exact Sciences
Classification: Pathogenic for PTCH1-related condition. Last evaluated: 2026-01-28. Review status: criteria provided, single submitter. Criteria: ACMG Guidelines, 2015. Collection method: clinical testing. Allele origin: germline.
Comment: The PTCH1 c.2422C>T variant is predicted to result in premature protein termination (p.Gln808*). This variant has been reported in individuals with clinical features consistent with nevoid basal cell carcinoma syndrome (NBCCS) (Waszak et al. 2018. PubMed ID: 29753700; Kim et al. 2021. PubMed ID: 33441926). This variant has not been reported in a large population database (gnomAD), indicating it is rare. It is classified as pathogenic in ClinVar (Variation ID: 3704402). Nonsense variants in PTCH1 are expected to be pathogenic. This variant is interpreted as pathogenic.

Labcorp Genetics (formerly Invitae), Labcorp
Classification: Pathogenic for Gorlin syndrome. Last evaluated: 2024-06-24. Review status: criteria provided, single submitter. Criteria: Invitae Variant Classification Sherloc (09022015). Collection method: clinical testing. Allele origin: germline.
Comment: This sequence change creates a premature translational stop signal (p.Gln808*) in the PTCH1 gene. It is expected to result in an absent or disrupted protein product. Loss-of-function variants in PTCH1 are known to be pathogenic (PMID: 16301862, 16419085). This variant is not present in population databases (gnomAD no frequency). This premature translational stop signal has been observed in individual(s) with basal cell nevus syndrome (PMID: 29753700, 33441926). For these reasons, this variant has been classified as Pathogenic.

Literature cited by the submitters: PubMed 16301862 (cited by Labcorp Genetics (formerly Invitae), Labcorp); PubMed 16419085 (cited by Labcorp Genetics (formerly Invitae), Labcorp); PubMed 29753700 (cited by Labcorp Genetics (formerly Invitae), Labcorp); PubMed 33441926 (cited by Labcorp Genetics (formerly Invitae), Labcorp).